The following is an entry in ClinVar:

NM_001370466.1(NOD2):c.377T>G (p.Leu126Arg)

Gene: NOD2 (nucleotide binding oligomerization domain containing 2; plus strand). Cytogenetic location: 16q12.1.
Variant type: single nucleotide variant.
Coding change: c.377T>G on transcript NM_001370466.1 (MANE Select); coding-DNA position 377, T replaced by G.
Protein change: p.Leu126Arg; replaces leucine 126 with arginine.
Molecular consequence: missense variant. On other transcripts: non-coding transcript variant (1).
Genome position (GRCh38, 1-based): chr16:50,699,872, T>G. VCF-style: chr16-50699872-T-G. GRCh37 (hg19) VCF-style: chr16-50733783-T-G.
Other names: p.Leu153Arg; c.377T>G, p.Leu126Arg (NM_001293557.2); c.458T>G, p.Leu153Arg (NM_022162.3); short protein forms L126R, L153R.
Identifiers: ClinVar variation 1020537 (VCV001020537.11), dbSNP rs867184583, ClinGen allele CA281250450.

ClinVar aggregate classification (germline): Uncertain significance. Review status: criteria provided, multiple submitters, no conflicts (2 of 4 stars). 3 submissions from 3 submitters: Uncertain significance (3). Last evaluated 2025-12-10.

Conditions:
Blau syndrome (BLAUS). Also called: GRANULOMATOSIS, FAMILIAL JUVENILE SYSTEMIC; GRANULOMATOSIS, FAMILIAL, BLAU TYPE; GRANULOMATOUS INFLAMMATORY ARTHRITIS, DERMATITIS, AND UVEITIS, FAMILIAL; JABS SYNDROME; ARTHROCUTANEOUVEAL GRANULOMATOSIS. Identifiers: Orphanet 90340, MedGen C5201146, MONDO:0008523, OMIM 186580.
Regional enteritis. Also called: Enteritis, Granulomatous. Identifiers: MedGen C0678202, MeSH D003424.

Allele frequency attached by ClinVar (database versions not stated): gnomAD 0.00003 and 0.00005.
gnomAD v4.1: 13 of 1,613,260 alleles (0.00081%); highest among the groups gnomAD compares: Middle Eastern, 0.049%; no homozygotes.

Submissions (3):

Labcorp Genetics (formerly Invitae), Labcorp
Classification: Uncertain significance for Regional enteritis; Blau syndrome. Last evaluated: 2025-12-10. Review status: criteria provided, single submitter. Criteria: Invitae Variant Classification Sherloc (09022015). Collection method: clinical testing. Allele origin: germline.
Comment: This sequence change replaces leucine, which is neutral and non-polar, with arginine, which is basic and polar, at codon 153 of the NOD2 protein (p.Leu153Arg). This variant is not present in population databases (gnomAD no frequency). This variant has not been reported in the literature in individuals affected with NOD2-related conditions. ClinVar contains an entry for this variant (Variation ID: 1020537). Invitae Evidence Modeling of protein sequence and biophysical properties (such as structural, functional, and spatial information, amino acid conservation, physicochemical variation, residue mobility, and thermodynamic stability) has been performed for this missense variant. However, the output from this modeling did not meet the statistical confidence thresholds required to predict the impact of this variant on NOD2 protein function. In summary, the available evidence is currently insufficient to determine the role of this variant in disease. Therefore, it has been classified as a Variant of Uncertain Significance.

Mayo Clinic Laboratories, Mayo Clinic
Classification: Uncertain significance. Last evaluated: 2023-11-17. Review status: criteria provided, single submitter. Criteria: ACMG Guidelines, 2015. Collection method: clinical testing. Allele origin: germline. Observed: 1 variant allele.

Blueprint Genetics
Classification: Uncertain significance. Last evaluated: 2023-07-19. Review status: criteria provided, single submitter. Criteria: ACMG Guidelines, 2015. Collection method: clinical testing. Allele origin: germline.